The following is an entry in ClinVar:

NM_000051.4(ATM):c.790T>C (p.Tyr264His)

Gene: ATM (ATM serine/threonine kinase; plus strand). Cytogenetic location: 11q22.3.
Variant type: single nucleotide variant.
Coding change: c.790T>C on transcript NM_000051.4 (MANE Select); coding-DNA position 790, T replaced by C.
Protein change: p.Tyr264His; replaces tyrosine 264 with histidine.
Molecular consequence: missense variant.
Genome position (GRCh38, 1-based): chr11:108,244,915, T>C. VCF-style: chr11-108244915-T-C. GRCh37 (hg19) VCF-style: chr11-108115642-T-C.
Other names: c.790T>C, p.Tyr264His (NM_001351834.2); short protein forms Y264H.
Identifiers: ClinVar variation 2165060 (VCV002165060.4), dbSNP rs1591504199, ClinGen allele CA382529347.

ClinVar aggregate classification (germline): Uncertain significance (1 of 4 stars; one submission).

Conditions:
Ataxia-telangiectasia syndrome (AT). Also called: Ataxia telangiectasia (A-T); AT, COMPLEMENTATION GROUP C; Ataxia-telangiectasia, complementation group D; Cerebello-oculocutaneous telangiectasia; Immunodeficiency with ataxia telangiectasia; LOUIS-BAR SYNDROME. Identifiers: Orphanet 100, MedGen C0004135, MONDO:0008840, OMIM 208900.

Submission:

Labcorp Genetics (formerly Invitae), Labcorp
Classification: Uncertain significance for Ataxia-telangiectasia syndrome. Last evaluated: 2022-05-29. Review status: criteria provided, single submitter. Criteria: Invitae Variant Classification Sherloc (09022015). Collection method: clinical testing. Allele origin: germline.
Comment: This sequence change replaces tyrosine, which is neutral and polar, with histidine, which is basic and polar, at codon 264 of the ATM protein (p.Tyr264His). This variant is not present in population databases (gnomAD no frequency). This variant has not been reported in the literature in individuals affected with ATM-related conditions. Advanced modeling of protein sequence and biophysical properties (such as structural, functional, and spatial information, amino acid conservation, physicochemical variation, residue mobility, and thermodynamic stability) performed at Invitae indicates that this missense variant is not expected to disrupt ATM protein function. In summary, the available evidence is currently insufficient to determine the role of this variant in disease. Therefore, it has been classified as a Variant of Uncertain Significance.